The following is an entry in ClinVar:

ClinVar aggregate classification (germline): Uncertain significance. Review status: criteria provided, single submitter (1 of 4 stars). 2 submissions from 2 submitters: Uncertain significance (1). 1 of the submissions does not count toward it. Last evaluated 2019-09-13.

Conditions:
KCNMA1-related disorder. Also called: KCNMA1-related disorders; KCNMA1-related condition.
Generalized epilepsy-paroxysmal dyskinesia syndrome (PNKD3). Also called: Generalized epilepsy and paroxysmal dyskinesia; Paroxysmal nonkinesigenic dyskinesia, 3, with or without generalized epilepsy. Identifiers: Orphanet 79137, MedGen C5574945, MONDO:0012276, OMIM 609446.

Allele frequency attached by ClinVar (database versions not stated): gnomAD exomes 0.00001 and 0.00006; TOPMed 0.00003; ExAC 0.00004; gnomAD 0.00004; ESP Exome Variant Server 0.00022.
gnomAD v4.1: 94 of 1,551,942 alleles (0.0061%); highest among the groups gnomAD compares: Non-Finnish European, 0.0069%; no homozygotes.

Submissions (2):

New York Genome Center
Classification: Uncertain significance for Generalized epilepsy-paroxysmal dyskinesia syndrome. Last evaluated: 2019-09-13. Review status: criteria provided, single submitter. Criteria: NYGC Assertion Criteria 2020. Collection method: clinical testing. Allele origin: germline. Inheritance: Autosomal dominant inheritance. Observed: 1 heterozygote. Study: CSER-NYCKidSeq.
Comment: The c.2122C>T (p.Arg708Trp) variant identified in the KCNMA1 gene substitutes a moderately conserved Arginine for Tryptophan at amino acid 708/1237 (coding exon19/28). This variant is found with low frequency in gnomAD (2 heterozygotes, 0 homozygotes; allele frequency: 1.06e-5) and ExAC (1 heterozygote, 0 homozygotes; allele frequency: 4.67e-5), suggesting it is not a common benign variant in the populations represented in these databases. In silico algorithms do not agree on the effect of this variant, as it is predicted both Neutral (Provean;score: -0.98) and Damaging (SIFT; score: 0.021) to the function of the canonical transcript. This variant is absent from ClinVar and to our current knowledge has not been reported in affected individuals in the literature, although it is located within the intracellular C-terminus where many other variants have been reported in affected individuals [PMID: 31427379]. Given the lack of evidence supporting pathogenicity of the c.2122C>T (p.Arg708Trp) variant identified in the KCNMA1 gene it is reported here as a Variant of Uncertain Significance.

PreventionGenetics, part of Exact Sciences
Classification: Uncertain significance for KCNMA1-related condition. Last evaluated: 2024-07-09. Review status: no assertion criteria provided. Collection method: clinical testing. Allele origin: germline. Not counted in ClinVar's aggregate classification.
Comment: The KCNMA1 c.2122C>T variant is predicted to result in the amino acid substitution p.Arg708Trp. To our knowledge, this variant has not been reported in the literature. This variant is reported in 0.0026% of alleles in individuals of European (Non-Finnish) descent in gnomAD. At this time, the clinical significance of this variant is uncertain due to the absence of conclusive functional and genetic evidence.

NM_001161352.2(KCNMA1):c.2122C>T (p.Arg708Trp)

Gene: KCNMA1 (potassium calcium-activated channel subfamily M alpha 1; minus strand). Cytogenetic location: 10q22.3.
Variant type: single nucleotide variant.
Coding change: c.2122C>T on transcript NM_001161352.2 (MANE Select); coding-DNA position 2122, C replaced by T.
Protein change: p.Arg708Trp; replaces arginine 708 with tryptophan.
Molecular consequence: missense variant. On other transcripts: intron variant (12).
Genome position (GRCh38, 1-based): chr10:77,001,551, G>A on the plus strand (C>T on the coding strand, the complement: KCNMA1 is on the minus strand). VCF-style: chr10-77001551-G-A. GRCh37 (hg19) VCF-style: chr10-78761309-G-A.
Other names: c.1942+10416C>T (NM_001271518.2); c.2092+10416C>T (NM_001322832.2, NM_002247.4, NM_001161353.2); c.2101+6634C>T (NM_001322829.2, NM_001322836.2, NM_001271519.2); c.2104+10416C>T (NM_001014797.3, NM_001322835.2, NM_001322837.2); c.2113+6634C>T (NM_001322830.2); c.1552+10416C>T (NM_001322838.2); short protein forms R708W.
Identifiers: ClinVar variation 996869 (VCV000996869.2), dbSNP rs200299051, ClinGen allele CA5568206.